The following is an entry in ClinVar:

ClinVar aggregate classification (germline): Likely benign. Review status: criteria provided, multiple submitters, no conflicts (2 of 4 stars). 3 submissions from 3 submitters: Likely benign (3). Last evaluated 2025-09-01.

Conditions:
Inborn genetic diseases. Identifiers: MedGen C0950123, MeSH D030342.
UMOD-related disorder. Also called: UMOD-related condition.

Allele frequency attached by ClinVar (database versions not stated): ExAC 0.00004; gnomAD 0.00009; gnomAD exomes 0.00010; TOPMed 0.00011; ESP Exome Variant Server 0.00015.

Submissions (3):

CeGaT Center for Human Genetics Tuebingen
Classification: Likely benign. Last evaluated: 2025-09-01. Review status: criteria provided, single submitter. Criteria: CeGaT Center For Human Genetics Tuebingen Variant Classification Criteria Version 2. Collection method: clinical testing. Allele origin: germline. Affected: yes. Observed: 1 variant allele.
Comment: UMOD: BP4, BS1

PreventionGenetics, part of Exact Sciences
Classification: Likely benign for UMOD-related condition. Last evaluated: 2025-05-02. Review status: criteria provided, single submitter. Criteria: ACMG Guidelines, 2015. Collection method: clinical testing. Allele origin: germline.
Comment: This variant is classified as likely benign based on ACMG/AMP sequence variant interpretation guidelines (Richards et al. 2015 PMID: 25741868, with internal and published modifications).

Ambry Genetics
Classification: Likely benign for Inborn genetic diseases. Last evaluated: 2024-02-26. Review status: criteria provided, single submitter. Criteria: Ambry Variant Classification Scheme 2023. Collection method: clinical testing. Allele origin: germline.

NM_003361.4(UMOD):c.1154G>A (p.Arg385Gln)

Gene: UMOD (uromodulin; minus strand). Cytogenetic location: 16p12.3.
Variant type: single nucleotide variant.
Coding change: c.1154G>A on transcript NM_003361.4 (MANE Select); coding-DNA position 1154, G replaced by A.
Protein change: p.Arg385Gln; replaces arginine 385 with glutamine.
Molecular consequence: missense variant. On other transcripts: non-coding transcript variant (1).
Genome position (GRCh38, 1-based): chr16:20,346,154, C>T on the plus strand (G>A on the coding strand, the complement: UMOD is on the minus strand). VCF-style: chr16-20346154-C-T. GRCh37 (hg19) VCF-style: chr16-20357476-C-T.
Other names: c.1154G>A (NM_003361.2); c.1154G>A, p.Arg385Gln (NM_001008389.3, NM_001378232.1, NM_001378233.1 and 3 more transcripts); c.1253G>A, p.Arg418Gln (NM_001278614.2); short protein forms R385Q, R418Q.
Identifiers: ClinVar variation 3051629 (VCV003051629.11), dbSNP rs141355380, ClinGen allele CA7939284.